The following is an entry in ClinVar:

ClinVar aggregate classification (germline): Uncertain significance (1 of 4 stars; one submission).

Conditions:
X-linked lymphoproliferative disease due to XIAP deficiency. Also called: XIAP DEFICIENCY; XIAP-Related Lymphoproliferative Disease, X-Linked. Identifiers: Orphanet 2442, Orphanet 538934, MedGen C1845076, MONDO:0010385, OMIM 300635.

gnomAD v4.1: 5 of 1,210,128 alleles (0.00041%); highest among the groups gnomAD compares: Non-Finnish European, 0.00056%; no homozygotes.

Submission:

Labcorp Genetics (formerly Invitae), Labcorp
Classification: Uncertain significance for X-linked lymphoproliferative disease due to XIAP deficiency. Last evaluated: 2024-02-17. Review status: criteria provided, single submitter. Criteria: Invitae Variant Classification Sherloc (09022015). Collection method: clinical testing. Allele origin: germline.
Comment: This sequence change replaces arginine, which is basic and polar, with glutamine, which is neutral and polar, at codon 233 of the XIAP protein (p.Arg233Gln). This variant is not present in population databases (gnomAD no frequency). This variant has not been reported in the literature in individuals affected with XIAP-related conditions. Advanced modeling of protein sequence and biophysical properties (such as structural, functional, and spatial information, amino acid conservation, physicochemical variation, residue mobility, and thermodynamic stability) performed at Invitae indicates that this missense variant is not expected to disrupt XIAP protein function with a negative predictive value of 80%. Algorithms developed to predict the effect of sequence changes on RNA splicing suggest that this variant may create or strengthen a splice site. In summary, the available evidence is currently insufficient to determine the role of this variant in disease. Therefore, it has been classified as a Variant of Uncertain Significance.

NM_001167.4(XIAP):c.698G>A (p.Arg233Gln)

Gene: XIAP (X-linked inhibitor of apoptosis; plus strand). Cytogenetic location: Xq25.
Variant type: single nucleotide variant.
Coding change: c.698G>A on transcript NM_001167.4 (MANE Select); coding-DNA position 698, G replaced by A.
Protein change: p.Arg233Gln; replaces arginine 233 with glutamine.
Molecular consequence: missense variant.
Genome position (GRCh38, 1-based): chrX:123,886,360, G>A. VCF-style: chrX-123886360-G-A. GRCh37 (hg19) VCF-style: chrX-123020210-G-A.
Other names: c.698G>A, p.Arg233Gln (NM_001204401.2, NM_001378590.1, NM_001378591.1 and 1 more transcripts); short protein forms R233Q.
Identifiers: ClinVar variation 3704505 (VCV003704505.2).